The following is an entry in ClinVar:

NM_004974.4(KCNA2):c.1220C>T (p.Pro407Leu)

Gene: KCNA2 (potassium voltage-gated channel subfamily A member 2; minus strand). Cytogenetic location: 1p13.3.
Variant type: single nucleotide variant.
Coding change: c.1220C>T on transcript NM_004974.4 (MANE Select); coding-DNA position 1220, C replaced by T.
Protein change: p.Pro407Leu; replaces proline 407 with leucine.
Molecular consequence: missense variant. On other transcripts: intron variant (1).
Genome position (GRCh38, 1-based): chr1:110,603,563, G>A on the plus strand (C>T on the coding strand, the complement: KCNA2 is on the minus strand). VCF-style: chr1-110603563-G-A. GRCh37 (hg19) VCF-style: chr1-111146185-G-A.
Other names: c.894+326C>T (NM_001204269.2); short protein forms P407L.
Identifiers: ClinVar variation 2431063 (VCV002431063.3), dbSNP rs2101396301, ClinGen allele CA341601261.

ClinVar aggregate classification (germline): Pathogenic/Likely pathogenic. Review status: criteria provided, multiple submitters, no conflicts (2 of 4 stars). 2 submissions from 2 submitters: Pathogenic (1); Likely pathogenic (1). Last evaluated 2025-07-08.

Conditions:
Developmental and epileptic encephalopathy, 32 (DEE32). Also called: Epileptic encephalopathy, early infantile, 32. Identifiers: Orphanet 442835, MedGen C4225350, MONDO:0014607, OMIM 616366.

Submissions (2):

Labcorp Genetics (formerly Invitae), Labcorp
Classification: Pathogenic for Developmental and epileptic encephalopathy, 32. Last evaluated: 2025-07-08. Review status: criteria provided, single submitter. Criteria: Invitae Variant Classification Sherloc (09022015). Collection method: clinical testing. Allele origin: germline.
Comment: This sequence change replaces proline, which is neutral and non-polar, with leucine, which is neutral and non-polar, at codon 407 of the KCNA2 protein (p.Pro407Leu). This variant is not present in population databases (gnomAD no frequency). This missense change has been observed in individual(s) with clinical features of autosomal dominant KCNA2-related conditions (internal data). In at least one individual the variant was observed to be de novo. ClinVar contains an entry for this variant (Variation ID: 2431063). Invitae Evidence Modeling of protein sequence and biophysical properties (such as structural, functional, and spatial information, amino acid conservation, physicochemical variation, residue mobility, and thermodynamic stability) indicates that this missense variant is expected to disrupt KCNA2 protein function with a positive predictive value of 95%. This variant disrupts the p.Pro407 amino acid residue in KCNA2. Other variant(s) that disrupt this residue have been determined to be pathogenic (PMID: 33802230). This suggests that this residue is clinically significant, and that variants that disrupt this residue are likely to be disease-causing. For these reasons, this variant has been classified as Pathogenic.

Department of Paediatric Medicine, Post Graduation Institute of Medical Education and Research
Classification: Likely pathogenic for Developmental and epileptic encephalopathy, 32. Last evaluated: 2022-10-11. Review status: criteria provided, single submitter. Criteria: ACMG Guidelines, 2015. Collection method: clinical testing. Allele origin: de novo. Inheritance: Autosomal dominant inheritance. Affected: yes. Observed: 1 variant allele, 1 heterozygote.
Comment: PM1, PM2, PP2, PP3, PM6. A heterozygous missense variation in exon 3 of KCNA2 gene that results in substitution of Leucine for Proline at codon 407 was detected. This variant has not been reported in 1000 genomes, gnomAD. Insilico predictions of the variant are probably damaging. This variant was absent in parents, hence denovo.

Literature cited by the submitters: PubMed 33802230 (cited by Labcorp Genetics (formerly Invitae), Labcorp).